The following is an entry in ClinVar:

ClinVar aggregate classification (germline): Uncertain significance (1 of 4 stars; one submission).

Allele frequency attached by ClinVar (database versions not stated): gnomAD 0.00002; TOPMed 0.00002; ESP Exome Variant Server 0.00008.
gnomAD v4.1: 4 of 1,613,988 alleles (0.00025%); highest among the groups gnomAD compares: African/African-American, 0.004%; no homozygotes.

Submission:

Labcorp Genetics (formerly Invitae), Labcorp
Classification: Uncertain significance. Last evaluated: 2024-12-02. Review status: criteria provided, single submitter. Criteria: Invitae Variant Classification Sherloc (09022015). Collection method: clinical testing. Allele origin: germline.
Comment: This sequence change replaces valine, which is neutral and non-polar, with glutamic acid, which is acidic and polar, at codon 167 of the EYS protein (p.Val167Glu). This variant is present in population databases (rs376733496, gnomAD 0.01%). This variant has not been reported in the literature in individuals affected with EYS-related conditions. ClinVar contains an entry for this variant (Variation ID: 1902170). Invitae Evidence Modeling of protein sequence and biophysical properties (such as structural, functional, and spatial information, amino acid conservation, physicochemical variation, residue mobility, and thermodynamic stability) has been performed for this missense variant. However, the output from this modeling did not meet the statistical confidence thresholds required to predict the impact of this variant on EYS protein function. In summary, the available evidence is currently insufficient to determine the role of this variant in disease. Therefore, it has been classified as a Variant of Uncertain Significance.

NM_001142800.2(EYS):c.500T>A (p.Val167Glu)

Gene: EYS (EGF-like photoreceptor maintenance factor; minus strand). Cytogenetic location: 6q12.
Variant type: single nucleotide variant.
Coding change: c.500T>A on transcript NM_001142800.2 (MANE Select); coding-DNA position 500, T replaced by A.
Protein change: p.Val167Glu; replaces valine 167 with glutamic acid.
Molecular consequence: missense variant.
Genome position (GRCh38, 1-based): chr6:65,494,911, A>T on the plus strand (T>A on the coding strand, the complement: EYS is on the minus strand). VCF-style: chr6-65494911-A-T. GRCh37 (hg19) VCF-style: chr6-66204804-A-T.
Other names: c.500T>A, p.Val167Glu (NM_001142801.2, NM_001292009.2, NM_198283.2); short protein forms V167E.
Identifiers: ClinVar variation 1902170 (VCV001902170.4), dbSNP rs376733496, ClinGen allele CA140434964.